The following is an entry in ClinVar:

NM_021831.6(AGBL5):c.1622dup (p.Pro542fs)

Gene: AGBL5 (AGBL carboxypeptidase 5; plus strand). Cytogenetic location: 2p23.3.
Variant type: Duplication.
Coding change: c.1622dup on transcript NM_021831.6 (MANE Select); coding-DNA position 1622, one base duplicated (C; older notation c.1622dupC).
Protein change: p.Pro542fs; shifts the reading frame from proline 542.
Molecular consequence: frameshift variant. On other transcripts: non-coding transcript variant (2).
Genome position (GRCh38, 1-based): chr2:27,057,389, C duplicated; the last of 6 consecutive C bases (chr2:27,057,384-27,057,389); duplicating any one gives the same sequence. VCF-style (leftmost placement, unchanged base first): chr2-27057383-G-GC. GRCh37 (hg19) VCF-style: chr2-27280251-G-GC.
Other names: c.1622dup, p.Pro542Serfs (NM_001035506.1); c.1622dup, p.Pro542fs (NM_001035507.3); short protein forms P542fs.
Identifiers: ClinVar variation 2010574 (VCV002010574.4), dbSNP rs1668490262, ClinGen allele CA1240096700.
Genomic context (GRCh38, chr2:27,057,383, plus strand): 5'-ACAACACTGGACGCTCAGTAAACAGCATCCCTGCTGCCTGCCATGACAATGGGCGTGCCA[G>GC]CCCCCCTCCCCCGCCGGCTTTCCCCTCCAGATACACTGTGGAACTATTTGAGCAGGTATG-3'

ClinVar aggregate classification (germline): Pathogenic (1 of 4 stars; one submission).

Submission:

Labcorp Genetics (formerly Invitae), Labcorp
Classification: Pathogenic. Last evaluated: 2025-04-21. Review status: criteria provided, single submitter. Criteria: Invitae Variant Classification Sherloc (09022015). Collection method: clinical testing. Allele origin: germline.
Comment: This sequence change creates a premature translational stop signal (p.Pro542Serfs*15) in the AGBL5 gene. It is expected to result in an absent or disrupted protein product. Loss-of-function variants in AGBL5 are known to be pathogenic (PMID: 27764769, 27842159, 39672920). This variant is not present in population databases (gnomAD no frequency). This variant has not been reported in the literature in individuals affected with AGBL5-related conditions. ClinVar contains an entry for this variant (Variation ID: 2010574). For these reasons, this variant has been classified as Pathogenic.

Literature cited by the submitters: PubMed 27764769; PubMed 27842159; PubMed 39672920.